The following is an entry in ClinVar:

NM_001909.5(CTSD):c.828-19_828-18delinsCT

Gene: CTSD (cathepsin D; minus strand). Cytogenetic location: 11p15.5.
Variant type: Indel.
Coding change: c.828-19_828-18delinsCT on transcript NM_001909.5 (MANE Select); 19 bases into the intron before coding-DNA position 828 through 18 bases into the intron before coding-DNA position 828, AC replaced by CT.
Molecular consequence: intron variant.
Genome position (GRCh38, 1-based): chr11:1,754,156-1,754,157, GT replaced by AG on the plus strand (AC replaced by CT on the coding strand, the reverse complement: CTSD is on the minus strand). VCF-style: chr11-1754156-GT-AG. GRCh37 (hg19) VCF-style: chr11-1775386-GT-AG.
Identifiers: ClinVar variation 1914826 (VCV001914826.2), dbSNP rs2493817297, ClinGen allele CA2580082681.

ClinVar aggregate classification (germline): Uncertain significance (1 of 4 stars; one submission).

Conditions:
Neuronal ceroid lipofuscinosis. Also called: Neuronal Ceroid Lipofuscinoses. Identifiers: Orphanet 216, Orphanet 79263, MedGen C0027877, MONDO:0016295. Disease mechanism: loss of function.

Submission:

Labcorp Genetics (formerly Invitae), Labcorp
Classification: Uncertain significance for Neuronal ceroid lipofuscinosis. Last evaluated: 2022-06-12. Review status: criteria provided, single submitter. Criteria: Invitae Variant Classification Sherloc (09022015). Collection method: clinical testing. Allele origin: germline.
Comment: This sequence change falls in intron 6 of the CTSD gene. It does not directly change the encoded amino acid sequence of the CTSD protein. Information on the frequency of this variant in the gnomAD database is not available, as this variant may be reported differently in the database. This variant has not been reported in the literature in individuals affected with CTSD-related conditions. Experimental studies and prediction algorithms are not available or were not evaluated, and the effect of this variant on mRNA splicing is currently unknown. In summary, the available evidence is currently insufficient to determine the role of this variant in disease. Therefore, it has been classified as a Variant of Uncertain Significance.